The following is an entry in ClinVar:

NM_174936.4(PCSK9):c.148G>A (p.Asp50Asn)

Gene: PCSK9 (proprotein convertase subtilisin/kexin type 9; plus strand). Cytogenetic location: 1p32.3.
Variant type: single nucleotide variant.
Coding change: c.148G>A on transcript NM_174936.4 (MANE Select); coding-DNA position 148, G replaced by A.
Protein change: p.Asp50Asn; replaces aspartic acid 50 with asparagine.
Molecular consequence: missense variant. On other transcripts: 5 prime UTR variant (1), non-coding transcript variant (8).
Genome position (GRCh38, 1-based): chr1:55,039,985, G>A. VCF-style: chr1-55039985-G-A. GRCh37 (hg19) VCF-style: chr1-55505658-G-A.
Other names: c.148G>A, p.Asp50Asn (NM_001407240.1, NM_001407241.1, NM_001407242.1 and 4 more transcripts); c.-587G>A (NM_001407246.1); short protein forms D50N.
Identifiers: ClinVar variation 3929783 (VCV003929783.2).

ClinVar aggregate classification (germline): Uncertain significance. Review status: criteria provided, multiple submitters, no conflicts (2 of 4 stars). 2 submissions from 2 submitters: Uncertain significance (2). Last evaluated 2025-07-07.

Conditions:
Familial hypercholesterolemia. Also called: Familial hypercholesterolaemia. Identifiers: MedGen C0020445, MONDO:0005439.
Cardiovascular phenotype. Identifiers: MedGen CN230736.

gnomAD v4.1: 4 of 1,581,086 alleles (0.00025%); highest among the groups gnomAD compares: Non-Finnish European, 0.00034%; no homozygotes.

Submissions (2):

Color Diagnostics, LLC DBA Color Health
Classification: Uncertain significance for Familial hypercholesterolemia. Last evaluated: 2025-07-07. Review status: criteria provided, single submitter. Criteria: ACMG Guidelines, 2015. Collection method: clinical testing. Allele origin: germline.
Comment: This missense variant replaces aspartic acid with asparagine at codon 50 of the PCSK9 protein. Computational prediction suggests that this variant may not impact protein structure and function. To our knowledge, functional studies have not been reported for this variant. This variant has not been reported in individuals affected with PCSK9-related disorders in the literature. This variant has not been identified in the general population by the Genome Aggregation Database (gnomAD). The available evidence is insufficient to determine the role of this variant in disease conclusively. Therefore, this variant is classified as a Variant of Uncertain Significance.

Ambry Genetics
Classification: Uncertain significance for Cardiovascular phenotype. Last evaluated: 2025-03-23. Review status: criteria provided, single submitter. Criteria: Ambry Variant Classification Scheme 2023. Collection method: clinical testing. Allele origin: germline.
Comment: The p.D50N variant (also known as c.148G>A), located in coding exon 1 of the PCSK9 gene, results from a G to A substitution at nucleotide position 148. The aspartic acid at codon 50 is replaced by asparagine, an amino acid with highly similar properties. This amino acid position is conserved. In addition, this alteration is predicted to be tolerated by in silico analysis. Based on the available evidence, the clinical significance of this variant remains unclear.